The following is an entry in ClinVar:

NM_022356.4(P3H1):c.572del (p.Gly191fs)

Gene: P3H1 (prolyl 3-hydroxylase 1; minus strand). Cytogenetic location: 1p34.2.
Variant type: Deletion.
Coding change: c.572del on transcript NM_022356.4 (MANE Select); coding-DNA position 572, one base deleted (G; older notation c.572delG).
Protein change: p.Gly191fs; shifts the reading frame from glycine 191.
Molecular consequence: frameshift variant.
Genome position (GRCh38, 1-based): chr1:42,762,369, C deleted on the plus strand (G on the coding strand, the reverse complement: P3H1 is on the minus strand); the first of 2 consecutive C bases (chr1:42,762,369-42,762,370); deleting either gives the same sequence. VCF-style (leftmost placement, unchanged base first): chr1-42762368-TC-T. GRCh37 (hg19) VCF-style: chr1-43228039-TC-T.
Other names: c.572del, p.Gly191fs (NM_001146289.2, NM_001243246.2); c.572delG (NM_022356.3); short protein forms G191fs.
Identifiers: ClinVar variation 2627428 (VCV002627428.7), dbSNP rs1652768821, ClinGen allele CA1001041432.

ClinVar aggregate classification (germline): Pathogenic/Likely pathogenic. Review status: criteria provided, multiple submitters, no conflicts (2 of 4 stars). 4 submissions from 4 submitters: Pathogenic (2); Likely pathogenic (2). Last evaluated 2023-06-07.

Conditions:
Osteogenesis imperfecta type 8 (OI8). Identifiers: MedGen C1970458, MONDO:0012581, OMIM 610915.

Submissions (4):

Labcorp Genetics (formerly Invitae), Labcorp
Classification: Pathogenic for Osteogenesis imperfecta type 8. Last evaluated: 2023-06-07. Review status: criteria provided, single submitter. Criteria: Invitae Variant Classification Sherloc (09022015). Collection method: clinical testing. Allele origin: germline.
Comment: For these reasons, this variant has been classified as Pathogenic. This variant has not been reported in the literature in individuals affected with P3H1-related conditions. This variant is not present in population databases (gnomAD no frequency). This sequence change creates a premature translational stop signal (p.Gly191Glufs*2) in the P3H1 gene. It is expected to result in an absent or disrupted protein product. Loss-of-function variants in P3H1 are known to be pathogenic (PMID: 17277775, 18566967, 19088120, 22281939).

Department of Medical Genetics, Sanjay Gandhi Post Graduate Institute of Medical Sciences
Classification: Pathogenic for Osteogenesis imperfecta type 8. Last evaluated: 2022-03-17. Review status: criteria provided, single submitter. Criteria: ACMG Guidelines, 2015. Collection method: research. Allele origin: inherited. Inheritance: Autosomal recessive inheritance. Affected: yes. Observed: 1 homozygote.
Comment: This P3H1 variant has been classified as pathogenic according to ACMG/ AMP guidelines (PVS1, PM2,PM3).

Juno Genomics, Hangzhou Juno Genomics, Inc
Classification: Likely pathogenic for Osteogenesis imperfecta type 8. Review status: criteria provided, single submitter. Criteria: ACMG Guidelines, 2015. Collection method: clinical testing. Allele origin: germline.
Comment: Null variant in a gene where loss of function (LOF) is a known mechanism of disease.;Absent from controls (or at extremely low frequency if recessive) in Genome Aggregation Database.

Neuberg Centre For Genomic Medicine, NCGM
Classification: Likely pathogenic for Osteogenesis imperfecta type 8. Review status: criteria provided, single submitter. Criteria: ACMG Guidelines, 2015. Collection method: clinical testing. Allele origin: germline. Inheritance: Autosomal recessive inheritance. Affected: yes.
Comment: The frameshift deletion p.G191Efs*2 in P3H1 (NM_022356.4) has not been reported previously as a pathogenic variant nor as a benign variant, to our knowledge. The p.G191Efs*2 variant is novel (not in any individuals) in gnomAD Exomes and is novel (not in any individuals) in 1000 Genomes. This variant is predicted to cause loss of normal protein function through protein truncation. Loss of function variants have been previously reported to be disease causing. For these reasons, this variant has been classified as Likely Pathogenic.

Literature cited by the submitters: PubMed 17277775 (cited by Labcorp Genetics (formerly Invitae), Labcorp); PubMed 18566967 (cited by Labcorp Genetics (formerly Invitae), Labcorp); PubMed 19088120 (cited by Labcorp Genetics (formerly Invitae), Labcorp); PubMed 22281939 (cited by Labcorp Genetics (formerly Invitae), Labcorp).